The following is an entry in ClinVar:

ClinVar aggregate classification (germline): Likely benign (1 of 4 stars; one submission).

Conditions:
PLCE1-related disorder. Also called: PLCE1-related condition.

gnomAD v4.1: 317 of 1,614,164 alleles (0.02%); highest among the groups gnomAD compares: Admixed American, 0.005%; no homozygotes.

Submission:

PreventionGenetics, part of Exact Sciences
Classification: Likely benign for PLCE1-related condition. Last evaluated: 2025-12-28. Review status: criteria provided, single submitter. Criteria: ACMG Guidelines, 2015. Collection method: clinical testing. Allele origin: germline.
Comment: This variant is classified as likely benign based on ACMG/AMP sequence variant interpretation guidelines (Richards et al. 2015 PMID: 25741868, with internal and published modifications).

NM_016341.4(PLCE1):c.1681C>T (p.Arg561Trp)

Gene: PLCE1 (phospholipase C epsilon 1; plus strand). Cytogenetic location: 10q23.33.
Variant type: single nucleotide variant.
Coding change: c.1681C>T on transcript NM_016341.4 (MANE Select); coding-DNA position 1681, C replaced by T.
Protein change: p.Arg561Trp; replaces arginine 561 with tryptophan.
Molecular consequence: missense variant.
Genome position (GRCh38, 1-based): chr10:94,171,368, C>T. VCF-style: chr10-94171368-C-T. GRCh37 (hg19) VCF-style: chr10-95931125-C-T.
Other names: c.757C>T, p.Arg253Trp (NM_001165979.2); c.1681C>T, p.Arg561Trp (NM_001288989.2); short protein forms R561W, R253W.
Identifiers: ClinVar variation 4980763 (VCV004980763.1).